The following is an entry in ClinVar:

NM_002529.4(NTRK1):c.1243C>G (p.Pro415Ala)

Gene: NTRK1 (neurotrophic receptor tyrosine kinase 1; plus strand). Cytogenetic location: 1q23.1.
Variant type: single nucleotide variant.
Coding change: c.1243C>G on transcript NM_002529.4 (MANE Select); coding-DNA position 1243, C replaced by G.
Protein change: p.Pro415Ala; replaces proline 415 with alanine.
Molecular consequence: missense variant.
Genome position (GRCh38, 1-based): chr1:156,874,618, C>G. VCF-style: chr1-156874618-C-G. GRCh37 (hg19) VCF-style: chr1-156844410-C-G.
Other names: c.1135C>G, p.Pro379Ala (NM_001007792.1); c.1225C>G, p.Pro409Ala (NM_001012331.2); short protein forms P379A, P415A, P409A.
Identifiers: ClinVar variation 4795687 (VCV004795687.1).

ClinVar aggregate classification (germline): Uncertain significance (1 of 4 stars; one submission).

gnomAD v4.1: 2 of 1,613,852 alleles (0.00012%); highest among the groups gnomAD compares: Non-Finnish European, 0.00017%; no homozygotes.

Submission:

GeneDx
Classification: Uncertain significance. Last evaluated: 2025-08-13. Review status: criteria provided, single submitter. Criteria: GeneDx Variant Classification Process June 2021. Collection method: clinical testing. Allele origin: germline. Affected: yes.
Comment: Not observed at significant frequency in large population cohorts (gnomAD); In silico analysis suggests that this missense variant does not alter protein structure/function; Has not been previously published as pathogenic or benign to our knowledge